The following is an entry in ClinVar:

NM_013432.5(TONSL):c.2191C>T (p.Arg731Trp)

Genes: TONSL (tonsoku like, DNA repair protein; minus strand), TONSL-AS1 (TONSL antisense RNA 1; plus strand). Cytogenetic location: 8q24.3.
Variant type: single nucleotide variant.
Coding change: c.2191C>T on transcript NM_013432.5 (MANE Select); coding-DNA position 2191, C replaced by T.
Protein change: p.Arg731Trp; replaces arginine 731 with tryptophan.
Molecular consequence: missense variant.
Genome position (GRCh38, 1-based): chr8:144,436,242, G>A on the plus strand (C>T on the coding strand, the complement: TONSL is on the minus strand). VCF-style: chr8-144436242-G-A. GRCh37 (hg19) VCF-style: chr8-145661625-G-A.
Other names: short protein forms R731W.
Identifiers: ClinVar variation 1399633 (VCV001399633.4), dbSNP rs1024806587, ClinGen allele CA187667744.
Genomic context (GRCh38, chr8:144,436,242, plus strand): 5'-CTGCGCTGTCCTCGCCTTCTGAGCTGCTGCTGCTGCTGGCTGGCCCATGCCTGCTCCTCC[G>A]AGGCCTGGCCATGGCTGGTGCCGCCTGCCCTGGGGAGACCCTGACATGGGCCTGAGAGGC-3'
Protein context (NP_038460.4, residues 721-741): GQAAPAMARP[Arg731Trp]RSRHGPASSS

ClinVar aggregate classification (germline): Uncertain significance (1 of 4 stars; one submission).

Allele frequency attached by ClinVar (database versions not stated): gnomAD 0.00001; gnomAD exomes 0.00001; TOPMed 0.00001.
gnomAD v4.1: 12 of 1,544,600 alleles (0.00078%); highest among the groups gnomAD compares: Admixed American, 0.0036%; no homozygotes.

Submission:

Labcorp Genetics (formerly Invitae), Labcorp
Classification: Uncertain significance. Last evaluated: 2023-11-27. Review status: criteria provided, single submitter. Criteria: Invitae Variant Classification Sherloc (09022015). Collection method: clinical testing. Allele origin: germline.
Comment: This sequence change replaces arginine, which is basic and polar, with tryptophan, which is neutral and slightly polar, at codon 731 of the TONSL protein (p.Arg731Trp). This variant is present in population databases (no rsID available, gnomAD 0.005%). This variant has not been reported in the literature in individuals affected with TONSL-related conditions. ClinVar contains an entry for this variant (Variation ID: 1399633). Advanced modeling of protein sequence and biophysical properties (such as structural, functional, and spatial information, amino acid conservation, physicochemical variation, residue mobility, and thermodynamic stability) performed at Invitae indicates that this missense variant is not expected to disrupt TONSL protein function with a negative predictive value of 80%. In summary, the available evidence is currently insufficient to determine the role of this variant in disease. Therefore, it has been classified as a Variant of Uncertain Significance.